The following is an entry in ClinVar:

NM_006516.4(SLC2A1):c.1199G>A (p.Arg400His)

Gene: SLC2A1 (solute carrier family 2 member 1; minus strand). Cytogenetic location: 1p34.2.
Variant type: single nucleotide variant.
Coding change: c.1199G>A on transcript NM_006516.4 (MANE Select); coding-DNA position 1199, G replaced by A.
Protein change: p.Arg400His; replaces arginine 400 with histidine.
Molecular consequence: missense variant.
Genome position (GRCh38, 1-based): chr1:42,927,684, C>T on the plus strand (G>A on the coding strand, the complement: SLC2A1 is on the minus strand). VCF-style: chr1-42927684-C-T. GRCh37 (hg19) VCF-style: chr1-43393355-C-T.
Other names: short protein forms R400H.
Identifiers: ClinVar variation 280046 (VCV000280046.21), dbSNP rs776095655, ClinGen allele CA10602778.

ClinVar aggregate classification (germline): Pathogenic/Likely pathogenic. Review status: criteria provided, multiple submitters, no conflicts (2 of 4 stars). 8 submissions from 8 submitters: Pathogenic (4); Likely pathogenic (4). Last evaluated 2025-03-18.

Conditions:
Childhood onset GLUT1 deficiency syndrome 2. Also called: GLUT1 deficiency syndrome 2; PAROXYSMAL EXERCISE-INDUCED DYSKINESIA WITH OR WITHOUT EPILEPSY AND/OR HEMOLYTIC ANEMIA; PAROXYSMAL EXERTION-INDUCED DYSTONIA WITH OR WITHOUT EPILEPSY AND/OR HEMOLYTIC ANEMIA; PED WITH OR WITHOUT EPILEPSY AND/OR HEMOLYTIC ANEMIA; Paroxysmal exercise-induced dystonia; PxMD-SLC2A1. Identifiers: Orphanet 98811, MedGen C1842534, MONDO:0012805, OMIM 612126.
Encephalopathy due to GLUT1 deficiency. Also called: GLUT1 deficiency syndrome 1, infantile onset, severe; GLUCOSE TRANSPORT DEFECT, BLOOD-BRAIN BARRIER; GLUT1 deficiency syndrome 1; Glucose transporter protein syndrome; De Vivo disease; Classic Glucose Transporter Type 1 Deficiency Syndrome. Identifiers: Orphanet 71277, MedGen C4551966, MONDO:0011724, OMIM 606777.
GLUT1 deficiency syndrome 1, autosomal recessive. Identifiers: MedGen C3149117.
Inborn genetic diseases. Identifiers: MedGen C0950123, MeSH D030342.

Submissions (8):

Institute of Human Genetics, University of Leipzig Medical Center
Classification: Pathogenic for Childhood onset GLUT1 deficiency syndrome 2. Last evaluated: 2025-03-18. Review status: criteria provided, single submitter. Criteria: ACMG Guidelines, 2015. Collection method: clinical testing. Allele origin: unknown. Affected: yes.
Comment: Criteria applied: PS4_MOD,PM1,PM5,PM2,PP2,PP3

Institute of Immunology and Genetics Kaiserslautern
Classification: Likely pathogenic for Encephalopathy due to GLUT1 deficiency. Last evaluated: 2025-01-30. Review status: criteria provided, single submitter. Criteria: ACMG Guidelines, 2015. Collection method: clinical testing. Allele origin: germline. Affected: yes.
Comment: ACMG Criteria: PM2, PM5, PP1, PP3, PP5; Variant was found in heterozygous state

Genome-Nilou Lab
Classification: Likely pathogenic for Encephalopathy due to GLUT1 deficiency. Last evaluated: 2023-04-11. Review status: criteria provided, single submitter. Criteria: ACMG Guidelines, 2015. Collection method: clinical testing. Allele origin: germline. Affected: no.

GeneDx
Classification: Pathogenic. Last evaluated: 2023-02-23. Review status: criteria provided, single submitter. Criteria: GeneDx Variant Classification Process June 2021. Collection method: clinical testing. Allele origin: germline. Affected: yes.
Comment: In silico analysis supports that this missense variant has a deleterious effect on protein structure/function; Not observed at significant frequency in large population cohorts (gnomAD); This variant is associated with the following publications: (PMID: 30311381, 22976442, 21555602, 25487684, 30714351, 30700737, 31710770, 32712428, 36034301, 28116237)

MGZ Medical Genetics Center
Classification: Likely pathogenic for Encephalopathy due to GLUT1 deficiency. Last evaluated: 2022-08-02. Review status: criteria provided, single submitter. Criteria: ACMG Guidelines, 2015. Collection method: clinical testing. Allele origin: germline. Affected: yes. Observed: 1 variant allele.
Comment: ACMG criteria applied: PS4_MOD, PM1, PM5, PM2_SUP, PP2, PP3

Labcorp Genetics (formerly Invitae), Labcorp
Classification: Pathogenic for GLUT1 deficiency syndrome 1, autosomal recessive. Last evaluated: 2022-01-01. Review status: criteria provided, single submitter. Criteria: Invitae Variant Classification Sherloc (09022015). Collection method: clinical testing. Allele origin: germline.
Comment: For these reasons, this variant has been classified as Pathogenic. This variant disrupts the p.Arg400 amino acid residue in SLC2A1. Other variant(s) that disrupt this residue have been determined to be pathogenic (PMID: 21865127, 28018440). This suggests that this residue is clinically significant, and that variants that disrupt this residue are likely to be disease-causing. Advanced modeling of protein sequence and biophysical properties (such as structural, functional, and spatial information, amino acid conservation, physicochemical variation, residue mobility, and thermodynamic stability) performed at Invitae indicates that this missense variant is expected to disrupt SLC2A1 protein function. ClinVar contains an entry for this variant (Variation ID: 280046). This missense change has been observed in individual(s) with GLUT1-deficiency syndrome (PMID: 21555602, 22976442, 25487684). In at least one individual the variant was observed to be de novo. This variant is not present in population databases (gnomAD no frequency). This sequence change replaces arginine, which is basic and polar, with histidine, which is basic and polar, at codon 400 of the SLC2A1 protein (p.Arg400His).

Geisinger Autism and Developmental Medicine Institute, Geisinger Health System
Classification: Pathogenic for Encephalopathy due to GLUT1 deficiency. Last evaluated: 2018-02-12. Review status: criteria provided, single submitter. Criteria: ACMG Guidelines, 2015. Collection method: provider interpretation, clinical testing. Allele origin: maternal. Affected: yes. Observed: 1 variant allele.
Comment: This variant is absent from the gnomAD database and has been reported in other patients with Glut1DS (Mullen, 2011; Vieker, 2012; Ito, 2015). Other variants affecting this same codon have also been established as pathogenic.

Ambry Genetics
Classification: Likely pathogenic for Inborn genetic diseases. Last evaluated: 2017-09-29. Review status: criteria provided, single submitter. Criteria: Ambry Variant Classification Scheme 2023. Collection method: clinical testing. Allele origin: germline.
Comment: The p.R400H variant (also known as c.1199G>A), located in coding exon 9 of the SLC2A1 gene, results from a G to A substitution at nucleotide position 1199. The arginine at codon 400 is replaced by histidine, an amino acid with highly similar properties. This mutation has been reported in multiple individuals with clinical diagnoses of GLUT1 deficiency syndrome with a spectrum of clinical features (Mullen SA et al. Arch. Neurol., 2011 Sep;68:1152-5; Ito Y et al. Brain Dev., 2015 Sep;37:780-9; De Giorgis V et al. J. Child Neurol., 2016 Aug;31:1174-80). This amino acid position is highly conserved in available vertebrate species. In addition, this alteration is predicted to be deleterious by in silico analysis. Based on the majority of available evidence to date, this variant is likely to be pathogenic.

Literature cited by the submitters: PubMed 21865127 (cited by Labcorp Genetics (formerly Invitae), Labcorp); PubMed 28018440 (cited by Labcorp Genetics (formerly Invitae), Labcorp); PubMed 21555602 (cited by 3 submitters); PubMed 22976442 (cited by Labcorp Genetics (formerly Invitae), Labcorp and Geisinger Autism and Developmental Medicine Institute, Geisinger Health System); PubMed 25487684 (cited by 3 submitters); PubMed 27250207 (cited by Ambry Genetics).